The following is an entry in ClinVar:

NM_002335.4(LRP5):c.2104G>A (p.Ala702Thr)

Gene: LRP5 (LDL receptor related protein 5; plus strand). Cytogenetic location: 11q13.2.
Variant type: single nucleotide variant.
Coding change: c.2104G>A on transcript NM_002335.4 (MANE Select); coding-DNA position 2104, G replaced by A.
Protein change: p.Ala702Thr; replaces alanine 702 with threonine.
Molecular consequence: missense variant.
Genome position (GRCh38, 1-based): chr11:68,409,926, G>A. VCF-style: chr11-68409926-G-A. GRCh37 (hg19) VCF-style: chr11-68177394-G-A.
Other names: c.361G>A, p.Ala121Thr (NM_001291902.2); short protein forms A702T, A121T.
Identifiers: ClinVar variation 1477575 (VCV001477575.9), dbSNP rs771775019, ClinGen allele CA6149541.

ClinVar aggregate classification (germline): Uncertain significance. Review status: criteria provided, multiple submitters, no conflicts (2 of 4 stars). 2 submissions from 2 submitters: Uncertain significance (2). Last evaluated 2025-02-27.

Allele frequency attached by ClinVar (database versions not stated): gnomAD exomes below 0.00001; TOPMed below 0.00001; ExAC 0.00001; gnomAD 0.00001.
gnomAD v4.1: 7 of 1,613,532 alleles (0.00043%); highest among the groups gnomAD compares: South Asian, 0.0033%; no homozygotes.

Submissions (2):

Labcorp Genetics (formerly Invitae), Labcorp
Classification: Uncertain significance. Last evaluated: 2025-02-27. Review status: criteria provided, single submitter. Criteria: Invitae Variant Classification Sherloc (09022015). Collection method: clinical testing. Allele origin: germline.
Comment: This sequence change replaces alanine, which is neutral and non-polar, with threonine, which is neutral and polar, at codon 702 of the LRP5 protein (p.Ala702Thr). This variant is present in population databases (rs771775019, gnomAD 0.003%). This variant has not been reported in the literature in individuals affected with LRP5-related conditions. ClinVar contains an entry for this variant (Variation ID: 1477575). Invitae Evidence Modeling of protein sequence and biophysical properties (such as structural, functional, and spatial information, amino acid conservation, physicochemical variation, residue mobility, and thermodynamic stability) has been performed for this missense variant. However, the output from this modeling did not meet the statistical confidence thresholds required to predict the impact of this variant on LRP5 protein function. In summary, the available evidence is currently insufficient to determine the role of this variant in disease. Therefore, it has been classified as a Variant of Uncertain Significance.

Blueprint Genetics
Classification: Uncertain significance. Last evaluated: 2019-09-28. Review status: criteria provided, single submitter. Criteria: ACMG Guidelines, 2015. Collection method: clinical testing. Allele origin: germline.